The following is an entry in ClinVar:

NM_198271.5(LMOD3):c.400T>C (p.Ser134Pro)

Gene: LMOD3 (leiomodin 3; minus strand). Cytogenetic location: 3p14.1.
Variant type: single nucleotide variant.
Coding change: c.400T>C on transcript NM_198271.5 (MANE Select); coding-DNA position 400, T replaced by C.
Protein change: p.Ser134Pro; replaces serine 134 with proline.
Molecular consequence: missense variant.
Genome position (GRCh38, 1-based): chr3:69,119,955, A>G on the plus strand (T>C on the coding strand, the complement: LMOD3 is on the minus strand). VCF-style: chr3-69119955-A-G. GRCh37 (hg19) VCF-style: chr3-69169106-A-G.
Other names: c.400T>C, p.Ser134Pro (NM_001304418.3); short protein forms S134P.
Identifiers: ClinVar variation 959540 (VCV000959540.4), dbSNP rs1283065889, ClinGen allele CA353476946.

ClinVar aggregate classification (germline): Uncertain significance (1 of 4 stars; one submission).

Conditions:
Nemaline myopathy 10 (NEM10). Identifiers: MedGen C4015360, MONDO:0014513, OMIM 616165.

gnomAD v4.1: 1 of 1,576,372 alleles (0.000063%); highest among the groups gnomAD compares: Non-Finnish European, 0.000086%; no homozygotes.

Submission:

Labcorp Genetics (formerly Invitae), Labcorp
Classification: Uncertain significance for Nemaline myopathy 10. Last evaluated: 2022-10-10. Review status: criteria provided, single submitter. Criteria: Invitae Variant Classification Sherloc (09022015). Collection method: clinical testing. Allele origin: germline.
Comment: This variant has not been reported in the literature in individuals affected with LMOD3-related conditions. In summary, the available evidence is currently insufficient to determine the role of this variant in disease. Therefore, it has been classified as a Variant of Uncertain Significance. Algorithms developed to predict the effect of missense changes on protein structure and function output the following: SIFT: "Tolerated"; PolyPhen-2: "Benign"; Align-GVGD: "Class C0". The proline amino acid residue is found in multiple mammalian species, which suggests that this missense change does not adversely affect protein function. ClinVar contains an entry for this variant (Variation ID: 959540). This variant is not present in population databases (gnomAD no frequency). This sequence change replaces serine, which is neutral and polar, with proline, which is neutral and non-polar, at codon 134 of the LMOD3 protein (p.Ser134Pro).